The following is an entry in ClinVar:

NM_001033855.3(DCLRE1C):c.539A>T (p.Glu180Val)

Gene: DCLRE1C (DNA cross-link repair 1C; minus strand). Cytogenetic location: 10p13.
Variant type: single nucleotide variant.
Coding change: c.539A>T on transcript NM_001033855.3 (MANE Select); coding-DNA position 539, A replaced by T.
Protein change: p.Glu180Val; replaces glutamic acid 180 with valine.
Molecular consequence: missense variant. On other transcripts: non-coding transcript variant (4).
Genome position (GRCh38, 1-based): chr10:14,934,519, T>A on the plus strand (A>T on the coding strand, the complement: DCLRE1C is on the minus strand). VCF-style: chr10-14934519-T-A. GRCh37 (hg19) VCF-style: chr10-14976518-T-A.
Other names: NM_001033855.3(DCLRE1C):c.539A>T; p.Glu180Val; c.194A>T, p.Glu65Val (NM_001289076.2, NM_001289078.2, NM_001350966.2 and 1 more transcripts); c.179A>T, p.Glu60Val (NM_001289077.2, NM_001289079.2, NM_001350967.2 and 2 more transcripts); c.539A>T, p.Glu180Val (NM_001350965.2); short protein forms E180V, E60V, E65V.
Identifiers: ClinVar variation 1042451 (VCV001042451.8), dbSNP rs1839576830, ClinGen allele CA376059715.

ClinVar aggregate classification (germline): Uncertain significance. Review status: reviewed by expert panel (3 of 4 stars). 2 submissions from 2 submitters: Uncertain significance (1). 1 of the submissions does not count toward it. Last evaluated 2024-06-13.

Conditions:
Severe combined immunodeficiency due to DCLRE1C deficiency (RS-SCID). Also called: SCID, AUTOSOMAL RECESSIVE, T CELL-NEGATIVE, B CELL-NEGATIVE, NK CELL-POSITIVE, WITH SENSITIVITY TO IONIZING RADIATION. Identifiers: Orphanet 275, MedGen C1865371, MONDO:0011225, OMIM 602450.

Submissions (2):

ClinGen Severe Combined Immunodeficiency Variant Curation Expert Panel, ClinGen
Classification: Uncertain significance for Severe combined immunodeficiency due to DCLRE1C deficiency. Last evaluated: 2024-06-13. Review status: reviewed by expert panel. Criteria: ClinGen SCID ACMG Specifications DCLRE1C V1.0.0. Collection method: curation. Allele origin: germline. Inheritance: Autosomal recessive inheritance.
Comment: The c.539A>T (NM_001033855.3) variant in DCLRE1C is a missense variant predicted to cause the substitution of Glutamic Acid by Valine at amino acid 180 (p.Glu180Val). This variant is absent from gnomAD v4 (PM2_Supporting). To our knowledge, this variant has not been reported in the literature in individuals affected with SCID/DCLRE1C-related conditions or in functional studies. In summary, this variant meets the criteria to be classified as a variant of uncertain significance for autosomal recessive severe combined immunodeficiency due to DCLRE1C deficiency based on the ACMG/AMP criteria applied, as specified by the ClinGen SCID VCEP: PM2_Supporting (VCEP specifications version 1).

Labcorp Genetics (formerly Invitae), Labcorp
Classification: Uncertain significance for Athabaskan severe combined immunodeficiency. Last evaluated: 2020-06-04. Review status: criteria provided, single submitter. Criteria: Invitae Variant Classification Sherloc (09022015). Collection method: clinical testing. Allele origin: germline. Not counted in ClinVar's aggregate classification.
Comment: This sequence change replaces glutamic acid with valine at codon 180 of the DCLRE1C protein (p.Glu180Val). The glutamic acid residue is moderately conserved and there is a moderate physicochemical difference between glutamic acid and valine. This variant is not present in population databases (ExAC no frequency). This variant has not been reported in the literature in individuals with DCLRE1C-related conditions. Algorithms developed to predict the effect of missense changes on protein structure and function output the following: SIFT: "Tolerated"; PolyPhen-2: "Benign"; Align-GVGD: "Class C0". The valine amino acid residue is found in multiple mammalian species, suggesting that this missense change does not adversely affect protein function. These predictions have not been confirmed by published functional studies and their clinical significance is uncertain. In summary, the available evidence is currently insufficient to determine the role of this variant in disease. Therefore, it has been classified as a Variant of Uncertain Significance.